The following is an entry in ClinVar:

ClinVar aggregate classification (germline): Uncertain significance (1 of 4 stars; one submission).

Submission:

GeneDx
Classification: Uncertain significance. Last evaluated: 2023-03-25. Review status: criteria provided, single submitter. Criteria: GeneDx Variant Classification Process June 2021. Collection method: clinical testing. Allele origin: germline. Affected: yes.
Comment: Not observed at significant frequency in large population cohorts (gnomAD); In silico analysis supports that this missense variant does not alter protein structure/function; Has not been previously published as pathogenic or benign to our knowledge

NM_014727.3(KMT2B):c.323T>C (p.Val108Ala)

Gene: KMT2B (lysine methyltransferase 2B; plus strand). Cytogenetic location: 19q13.12.
Variant type: single nucleotide variant.
Coding change: c.323T>C on transcript NM_014727.3 (MANE Select); coding-DNA position 323, T replaced by C.
Protein change: p.Val108Ala; replaces valine 108 with alanine.
Molecular consequence: missense variant.
Genome position (GRCh38, 1-based): chr19:35,718,341, T>C. VCF-style: chr19-35718341-T-C. GRCh37 (hg19) VCF-style: chr19-36209243-T-C.
Other names: short protein forms V108A.
Identifiers: ClinVar variation 2662024 (VCV002662024.1), dbSNP rs1969038526, ClinGen allele CA405375651.